The following is an entry in ClinVar:

ClinVar aggregate classification (germline): Likely benign (1 of 4 stars; one submission).

Allele frequency attached by ClinVar (database versions not stated): 1000 Genomes Project 0.00300; 1000 Genomes Project 30x 0.00312; ExAC 0.00467; gnomAD 0.00583; TOPMed 0.00591; ESP Exome Variant Server 0.00615; gnomAD exomes 0.00765.
gnomAD v4.1: 12,056 of 1,614,050 alleles (0.75%); highest among the groups gnomAD compares: Non-Finnish European, 0.91%; 64 homozygotes.

Submission:

CeGaT Center for Human Genetics Tuebingen
Classification: Likely benign. Last evaluated: 2023-12-01. Review status: criteria provided, single submitter. Criteria: CeGaT Center For Human Genetics Tuebingen Variant Classification Criteria Version 2. Collection method: clinical testing. Allele origin: germline. Affected: yes. Observed: 1 variant allele.
Comment: MYCT1: BP4, BP7, BS2

NM_025107.3(MYCT1):c.243A>T (p.Val81=)

Genes: MYCT1 (MYC target 1; plus strand), LOC126859840 (P300/CBP strongly-dependent group 1 enhancer GRCh37_chr6:153042324-153043523; plus strand). Cytogenetic location: 6q25.2.
Variant type: single nucleotide variant.
Coding change: c.243A>T on transcript NM_025107.3 (MANE Select); coding-DNA position 243, A replaced by T.
Protein change: p.Val81=; no amino-acid change (valine 81 retained).
Molecular consequence: synonymous variant.
Genome position (GRCh38, 1-based): chr6:152,721,788, A>T. VCF-style: chr6-152721788-A-T. GRCh37 (hg19) VCF-style: chr6-153042923-A-T.
Other names: c.99A>T, p.Val33= (NM_001371624.1, NM_001371625.1, NM_001371626.1).
Identifiers: ClinVar variation 3024889 (VCV003024889.22), dbSNP rs34309848, ClinGen allele CA4060022.